The following is an entry in ClinVar:

ClinVar aggregate classification (germline): Uncertain significance (1 of 4 stars; one submission).

Submission:

GeneDx
Classification: Uncertain significance. Last evaluated: 2023-06-29. Review status: criteria provided, single submitter. Criteria: GeneDx Variant Classification Process June 2021. Collection method: clinical testing. Allele origin: germline. Affected: yes.
Comment: Not observed at significant frequency in large population cohorts (gnomAD); In silico analysis supports that this missense variant has a deleterious effect on protein structure/function; This variant is associated with the following publications: (PMID: 21674524, 33767344, 19303294)

NM_000540.3(RYR1):c.119G>T (p.Gly40Val)

Gene: RYR1 (ryanodine receptor 1; plus strand). Cytogenetic location: 19q13.2.
Variant type: single nucleotide variant.
Coding change: c.119G>T on transcript NM_000540.3 (MANE Select); coding-DNA position 119, G replaced by T.
Protein change: p.Gly40Val; replaces glycine 40 with valine.
Molecular consequence: missense variant.
Genome position (GRCh38, 1-based): chr19:38,440,818, G>T. VCF-style: chr19-38440818-G-T. GRCh37 (hg19) VCF-style: chr19-38931458-G-T.
Other names: c.119G>T, p.Gly40Val (NM_001042723.2); short protein forms G40V.
Identifiers: ClinVar variation 3340407 (VCV003340407.1).
Genomic context (GRCh38, chr19:38,440,818, plus strand): 5'-TCCTGCAGTGCAGCGCTACCGTGCTCAAGGAGCAGCTCAAGCTCTGCCTGGCCGCCGAGG[G>T]CTTCGGCAACCGCCTGTGCTTCCTGGAGCCCACTAGCAACGCGCAGGTCTGTGCAGGAGG-3'
Protein context (NP_000531.2, residues 30-50): EQLKLCLAAE[Gly40Val]FGNRLCFLEP